The following is an entry in ClinVar:

ClinVar aggregate classification (germline): Pathogenic (1 of 4 stars; one submission).

Conditions:
Renal carnitine transport defect (CDSP). Also called: Systemic primary carnitine deficiency; Primary carnitine deficiency; CARNITINE DEFICIENCY, SYSTEMIC, DUE TO DEFECT IN RENAL REABSORPTION OF CARNITINE; CARNITINE TRANSPORTER, PLASMA-MEMBRANE, DEFICIENCY OF; CARNITINE UPTAKE DEFECT; Carnitine transporter deficiency. Identifiers: Orphanet 158, MedGen C0342788, MONDO:0008919, OMIM 212140.

Submission:

Labcorp Genetics (formerly Invitae), Labcorp
Classification: Pathogenic for Renal carnitine transport defect. Last evaluated: 2021-08-07. Review status: criteria provided, single submitter. Criteria: Invitae Variant Classification Sherloc (09022015). Collection method: clinical testing. Allele origin: germline.
Comment: For these reasons, this variant has been classified as Pathogenic. This variant has not been reported in the literature in individuals affected with SLC22A5-related conditions. This variant is not present in population databases (ExAC no frequency). This sequence change creates a premature translational stop signal (p.Gln110*) in the SLC22A5 gene. It is expected to result in an absent or disrupted protein product. Loss-of-function variants in SLC22A5 are known to be pathogenic (PMID: 9916797).

Literature cited by the submitters: PubMed 9916797.

NM_003060.4(SLC22A5):c.328C>T (p.Gln110Ter)

Gene: SLC22A5 (solute carrier family 22 member 5; plus strand). Cytogenetic location: 5q31.1.
Variant type: single nucleotide variant.
Coding change: c.328C>T on transcript NM_003060.4 (MANE Select); coding-DNA position 328, C replaced by T.
Protein change: p.Gln110Ter; replaces glutamine 110 with a stop codon.
Molecular consequence: nonsense.
Genome position (GRCh38, 1-based): chr5:132,370,300, C>T. VCF-style: chr5-132370300-C-T. GRCh37 (hg19) VCF-style: chr5-131705992-C-T.
Other names: c.328C>T, p.Gln110Ter (NM_001308122.2); short protein forms Q110*.
Identifiers: ClinVar variation 1417216 (VCV001417216.6), dbSNP rs2126765527, ClinGen allele CA360802821.